The following is an entry in ClinVar:

NM_024301.5(FKRP):c.221_234delinsGAA (p.Asp74fs)

Gene: FKRP (fukutin related protein; plus strand). Cytogenetic location: 19q13.32.
Variant type: Indel.
Coding change: c.221_234delinsGAA on transcript NM_024301.5 (MANE Select); coding-DNA positions 221 to 234, ACCCAGCCCAGCCC replaced by GAA.
Protein change: p.Asp74fs; shifts the reading frame from aspartic acid 74.
Molecular consequence: frameshift variant.
Genome position (GRCh38, 1-based): chr19:46,755,671-46,755,684, ACCCAGCCCAGCCC replaced by GAA. VCF-style: chr19-46755671-ACCCAGCCCAGCCC-GAA. GRCh37 (hg19) VCF-style: chr19-47258928-ACCCAGCCCAGCCC-GAA.
Other names: c.221_234delinsGAA, p.Asp74fs (NM_001039885.3); short protein forms D74fs.
Identifiers: ClinVar variation 4816130 (VCV004816130.1).

ClinVar aggregate classification (germline): Likely pathogenic (1 of 4 stars; one submission).

Conditions:
Autosomal recessive limb-girdle muscular dystrophy type 2I. Also called: MUSCULAR DYSTROPHY-DYSTROGLYCANOPATHY (LIMB-GIRDLE), TYPE C, 5; MUSCULAR DYSTROPHY-DYSTROGLYCANOPATHY, LIMB-GIRDLE, FRKP-RELATED; MUSCULAR DYSTROPHY, LIMB-GIRDLE, TYPE 2I. Identifiers: Orphanet 34515, MedGen C1846672, MONDO:0011787, OMIM 607155.

Submission:

Natera, Inc.
Classification: Likely pathogenic for Limb-girdle muscular dystrophy type 2I. Last evaluated: 2025-05-01. Review status: criteria provided, single submitter. Criteria: Natera Variant Classification Schema (03/2026). Collection method: clinical testing. Allele origin: germline.
Comment: The c.221_234delinsGAA variant in FKRP is a frameshift variant predicted to shift the reading frame beginning at codon 74 and leads to a stop codon 54 codons downstream. This variant is expected to result in nonsense mediated decay, truncation, or a dysfunctional protein product. This variant is rare in the general population with a frequency below the threshold expected for the associated phenotype(s). Given the available evidence, this variant is classified as Likely Pathogenic.